The following is an entry in ClinVar:

ClinVar aggregate classification (germline): Uncertain significance. Review status: criteria provided, multiple submitters, no conflicts (2 of 4 stars). 3 submissions from 3 submitters: Uncertain significance (3). Last evaluated 2025-04-08.

Conditions:
Cardiomyopathy (CMYO). Also called: Cardiomyopathies. Identifiers: Orphanet 167848, MedGen C0878544, MONDO:0004994, HP:0001638. Inheritance: Various modes of inheritance.
Hypertrophic cardiomyopathy. Also called: HYPERTROPHIC MYOCARDIOPATHY. Identifiers: Orphanet 217569, MedGen C0007194, MeSH D002312, MONDO:0005045, HP:0001639.

Submissions (3):

Labcorp Genetics (formerly Invitae), Labcorp
Classification: Uncertain significance for Hypertrophic cardiomyopathy. Last evaluated: 2025-04-08. Review status: criteria provided, single submitter. Criteria: Invitae Variant Classification Sherloc (09022015). Collection method: clinical testing. Allele origin: germline.
Comment: This sequence change replaces arginine, which is basic and polar, with proline, which is neutral and non-polar, at codon 845 of the MYBPC3 protein (p.Arg845Pro). This variant is not present in population databases (gnomAD no frequency). This missense change has been observed in individual(s) with hypertrophic cardiomyopathy (PMID: 23233322). ClinVar contains an entry for this variant (Variation ID: 181128). An algorithm developed to predict the effect of missense changes on protein structure and function (PolyPhen-2) suggests that this variant is likely to be disruptive. In summary, the available evidence is currently insufficient to determine the role of this variant in disease. Therefore, it has been classified as a Variant of Uncertain Significance.

Color Diagnostics, LLC DBA Color Health
Classification: Uncertain significance for Cardiomyopathy. Last evaluated: 2020-09-14. Review status: criteria provided, single submitter. Criteria: ACMG Guidelines, 2015. Collection method: clinical testing. Allele origin: germline.
Comment: This missense variant replaces arginine with proline at codon 845 of the MYBPC3 protein. Computational prediction suggests that this variant may have deleterious impact on protein structure and function (internally defined REVEL score threshold >= 0.7, PMID: 27666373). To our knowledge, functional studies have not been reported for this variant. This variant has been reported in two individuals affected with hypertrophic cardiomyopathy (PMID: 23233322). This variant has not been identified in the general population by the Genome Aggregation Database (gnomAD). The available evidence is insufficient to determine the role of this variant in disease conclusively. Therefore, this variant is classified as a Variant of Uncertain Significance.

GeneDx
Classification: Uncertain significance. Last evaluated: 2016-04-14. Review status: criteria provided, single submitter. Criteria: GeneDx Variant Classification (06012015). Collection method: clinical testing. Allele origin: germline. Affected: yes.
Comment: The Arg845Pro variant of uncertain significance in the MYBPC3 gene has previously been reported in two unrelated Egyptian individuals with HCM, both of whom also harbored a second missense variant (Glu832Gly) in MYBPC3 (Kassem et al., 2013). Segregation studies performed in one family demonstrated that the variants are arranged in cis, and a possible founder effect was suggested due to the fact that both variants were cosegregating in unrelated index patients (Kassem et al., 2013). This variant was absent from 200 control alleles (Kassem et al., 2013). In addition, the NHLBI Exome Sequencing Project reports Arg845Pro was not observed in approximately 6,400 samples from individuals of European and African American backgrounds, indicating it is not a common benign variant in these populations. Arg845Pro results in a non-conservative substitution of a positively charged Arginine residue with a non-polar Proline residue at a position that is conserved across species. In silico analysis predicts Arg845Pro is probably damaging to the protein structure/function. Although missense variants in nearby residues (Arg835Leu, Met844Arg, Tyr847His, Ala848Glu, Ala848Val, Ala851Val) have been reported in the Human Gene Mutation Database in association with HCM (Stenson et al., 2014), the full significance of these variants is unknown. Furthermore, no functional studies for the Arg845Pro variant have been performed, to our knowledge. In summary, based on the currently available information, it is unclear whether the Arg845Pro variant in the MYBPC3 gene is a pathogenic variant or a benign variant.

Literature cited by the submitters: PubMed 23233322 (cited by Labcorp Genetics (formerly Invitae), Labcorp).

NM_000256.3(MYBPC3):c.2534G>C (p.Arg845Pro)

Gene: MYBPC3 (myosin binding protein C3; minus strand). Cytogenetic location: 11p11.2.
Variant type: single nucleotide variant.
Coding change: c.2534G>C on transcript NM_000256.3 (MANE Select); coding-DNA position 2534, G replaced by C.
Protein change: p.Arg845Pro; replaces arginine 845 with proline.
Molecular consequence: missense variant.
Genome position (GRCh38, 1-based): chr11:47,337,459, C>G on the plus strand (G>C on the coding strand, the complement: MYBPC3 is on the minus strand). VCF-style: chr11-47337459-C-G. GRCh37 (hg19) VCF-style: chr11-47359010-C-G.
Other names: p.R845P:CGC>CCC; c.2534G>C, p.Arg845Pro (LRG_386t1); short protein forms R845P.
Identifiers: ClinVar variation 181128 (VCV000181128.6), dbSNP rs730880568, ClinGen allele CA012536.